The following is an entry in ClinVar:

ClinVar aggregate classification (germline): Uncertain significance (1 of 4 stars; one submission).

gnomAD v4.1: 1 of 1,614,188 alleles (0.000062%); highest among the groups gnomAD compares: Non-Finnish European, 0.000085%; no homozygotes.

Submission:

Women's Health and Genetics/Laboratory Corporation of America, LabCorp
Classification: Uncertain significance. Last evaluated: 2024-07-30. Review status: criteria provided, single submitter. Criteria: LabCorp Variant Classification Summary - May 2015. Collection method: clinical testing. Allele origin: germline.
Comment: Variant summary: SMARCAL1 c.2321C>G (p.Ser774Trp) results in a non-conservative amino acid change located in the Helicase, C-terminal domain-like domain (IPR001650) of the encoded protein sequence. Five of five in-silico tools predict a damaging effect of the variant on protein function. The variant was absent in 251442 control chromosomes. The available data on variant occurrences in the general population are insufficient to allow any conclusion about variant significance. To our knowledge, no occurrence of c.2321C>G in individuals affected with Schimke Immunoosseous Dysplasia and no experimental evidence demonstrating its impact on protein function have been reported. No submitters have cited clinical-significance assessments for this variant to ClinVar. Based on the evidence outlined above, the variant was classified as uncertain significance.

NM_014140.4(SMARCAL1):c.2321C>G (p.Ser774Trp)

Gene: SMARCAL1 (SNF2 related chromatin remodeling annealing helicase 1; plus strand). Cytogenetic location: 2q35.
Variant type: single nucleotide variant.
Coding change: c.2321C>G on transcript NM_014140.4 (MANE Select); coding-DNA position 2321, C replaced by G.
Protein change: p.Ser774Trp; replaces serine 774 with tryptophan.
Molecular consequence: missense variant.
Genome position (GRCh38, 1-based): chr2:216,475,345, C>G. VCF-style: chr2-216475345-C-G. GRCh37 (hg19) VCF-style: chr2-217340068-C-G.
Other names: c.2321C>G, p.Ser774Trp (NM_001127207.2); short protein forms S774W.
Identifiers: ClinVar variation 3339494 (VCV003339494.1).